The following is an entry in ClinVar:

ClinVar aggregate classification (germline): Likely benign. Review status: criteria provided, single submitter (1 of 4 stars). 2 submissions from 2 submitters: Likely benign (1). 1 of the submissions does not count toward it. Last evaluated 2025-12-01.

Conditions:
PMFBP1-related disorder. Also called: PMFBP1-related condition.

Allele frequency attached by ClinVar (database versions not stated): TOPMed 0.00095; gnomAD 0.00099; ESP Exome Variant Server 0.00100; ExAC 0.00119; gnomAD exomes 0.00161.
gnomAD v4.1: 2,501 of 1,612,920 alleles (0.16%); highest among the groups gnomAD compares: Middle Eastern, 0.3%; 5 homozygotes.

Submissions (2):

CeGaT Center for Human Genetics Tuebingen
Classification: Likely benign. Last evaluated: 2025-12-01. Review status: criteria provided, single submitter. Criteria: CeGaT Center For Human Genetics Tuebingen Variant Classification Criteria Version 2. Collection method: clinical testing. Allele origin: germline. Affected: yes. Observed: 3 variant alleles.
Comment: PMFBP1: BP4, BP7

PreventionGenetics, part of Exact Sciences
Classification: Likely benign for PMFBP1-related condition. Last evaluated: 2019-09-18. Review status: no assertion criteria provided. Collection method: clinical testing. Allele origin: germline. Not counted in ClinVar's aggregate classification.
Comment: This variant is classified as likely benign based on ACMG/AMP sequence variant interpretation guidelines (Richards et al. 2015 PMID: 25741868, with internal and published modifications).

NM_031293.3(PMFBP1):c.624G>A (p.Gly208=)

Gene: PMFBP1 (polyamine modulated factor 1 binding protein 1; minus strand). Cytogenetic location: 16q22.2.
Variant type: single nucleotide variant.
Coding change: c.624G>A on transcript NM_031293.3 (MANE Select); coding-DNA position 624, G replaced by A.
Protein change: p.Gly208=; no amino-acid change (glycine 208 retained).
Molecular consequence: synonymous variant.
Genome position (GRCh38, 1-based): chr16:72,150,620, C>T on the plus strand (G>A on the coding strand, the complement: PMFBP1 is on the minus strand). VCF-style: chr16-72150620-C-T. GRCh37 (hg19) VCF-style: chr16-72184519-C-T.
Other names: c.624G>A (NM_031293.2); c.189G>A, p.Gly63= (NM_001160213.2).
Identifiers: ClinVar variation 2646809 (VCV002646809.25), dbSNP rs146909225, ClinGen allele CA8161954.